The following is an entry in ClinVar:

ClinVar aggregate classification (germline): Pathogenic (1 of 4 stars; one submission).

Conditions:
Hereditary spastic paraplegia 7 (SPG7). Also called: SPG7-related neurologic disorder; Autosomal recessive spastic paraplegia type 7; Spastic paraplegia 7; Hereditary spastic paraplegia Paraplegin type; SPASTIC PARAPLEGIA 7, AUTOSOMAL RECESSIVE, WITH OR WITHOUT CEREBELLAR ATAXIA. Identifiers: Orphanet 99013, MedGen C1846564, MONDO:0011803, OMIM 607259.

Submission:

Labcorp Genetics (formerly Invitae), Labcorp
Classification: Pathogenic for Hereditary spastic paraplegia 7. Last evaluated: 2022-10-02. Review status: criteria provided, single submitter. Criteria: Invitae Variant Classification Sherloc (09022015). Collection method: clinical testing. Allele origin: germline.
Comment: This sequence change creates a premature translational stop signal (p.Leu493Profs*28) in the SPG7 gene. It is expected to result in an absent or disrupted protein product. Loss-of-function variants in SPG7 are known to be pathogenic (PMID: 21623769, 22964162). This variant is not present in population databases (gnomAD no frequency). For these reasons, this variant has been classified as Pathogenic. This variant has not been reported in the literature in individuals affected with SPG7-related conditions.

Literature cited by the submitters: PubMed 21623769; PubMed 22964162.

NM_003119.4(SPG7):c.1477dup (p.Leu493fs)

Gene: SPG7 (SPG7 matrix AAA peptidase subunit, paraplegin; plus strand). Cytogenetic location: 16q24.3.
Variant type: Duplication.
Coding change: c.1477dup on transcript NM_003119.4 (MANE Select); coding-DNA position 1477, one base duplicated (C; older notation c.1477dupC).
Protein change: p.Leu493fs; shifts the reading frame from leucine 493.
Molecular consequence: frameshift variant.
Genome position (GRCh38, 1-based): chr16:89,546,685, C duplicated; the last of 2 consecutive C bases (chr16:89,546,684-89,546,685); duplicating either gives the same sequence. VCF-style (leftmost placement, unchanged base first): chr16-89546683-A-AC. GRCh37 (hg19) VCF-style: chr16-89613091-A-AC.
Other names: c.1477dup, p.Leu493fs (NM_001363850.1); short protein forms L493fs.
Identifiers: ClinVar variation 2033743 (VCV002033743.4), dbSNP rs2543825639, ClinGen allele CA2580092296.